The following is an entry in ClinVar:

NM_001348716.2(KDM6B):c.753ACC[16] (p.Pro262_Pro264dup)

Gene: KDM6B (lysine demethylase 6B; plus strand). Cytogenetic location: 17p13.1.
Variant type: Microsatellite.
Coding change: c.753ACC[16] on transcript NM_001348716.2 (MANE Select); 16 copies in a row of the 3-base unit ACC starting at c.753; the reference has 13 copies in a row; three copies, 9 bases duplicated.
Protein change: p.Pro262_Pro264dup.
Molecular consequence: inframe insertion.
Genome position (GRCh38, 1-based): chr17:7,846,890-7,846,898, ACCACCACC duplicated; duplicating any 9 consecutive bases within chr17:7,846,860-7,846,898 gives the same sequence; the position shown is the placement nearest the transcript's 3' end. VCF-style (leftmost placement, unchanged base first): chr17-7846859-T-TACCACCACC. GRCh37 (hg19) VCF-style: chr17-7750177-T-TACCACCACC.
Other names: c.753ACC[16], p.Pro262_Pro264dup (NM_001080424.2); c.783_791dup9 (NM_001080424.1).
Identifiers: ClinVar variation 1206109 (VCV001206109.7), dbSNP rs61462443, ClinGen allele CA8360354.
Genomic context (GRCh38, chr17:7,846,859, plus strand): 5'-CACACTCTCTTCTCTCCTAGACTGGCCTTCCCCCAGGGCTGCCACTGCCTCCACCACCAT[T>TACCACCACC]ACCACCACCACCACCACCACCACCACCACCACCACCACCCCTGCCTGGCCTGGCTACCAG-3'

ClinVar aggregate classification (germline): Benign. Review status: criteria provided, multiple submitters, no conflicts (2 of 4 stars). 5 submissions from 5 submitters: Benign (2). 3 of the submissions do not count toward it. Last evaluated 2025-02-16.

Conditions:
KDM6B-related disorder. Also called: KDM6B-related condition.

Submissions (5):

Laboratory of Genetics, Children's Clinical University Hospital Latvia
Classification: Benign. Last evaluated: 2025-02-16. Review status: criteria provided, single submitter. Criteria: ACMG Guidelines, 2015. Collection method: clinical testing. Allele origin: germline. Affected: yes.

GeneDx
Classification: Benign. Last evaluated: 2021-02-17. Review status: criteria provided, single submitter. Criteria: GeneDx Variant Classification Process June 2021. Collection method: clinical testing. Allele origin: germline. Affected: yes.

PreventionGenetics, part of Exact Sciences
Classification: Benign for KDM6B-related condition. Last evaluated: 2019-06-18. Review status: no assertion criteria provided. Collection method: clinical testing. Allele origin: germline. Not counted in ClinVar's aggregate classification.
Comment: This variant is classified as benign based on ACMG/AMP sequence variant interpretation guidelines (Richards et al. 2015 PMID: 25741868, with internal and published modifications).

Clinical Genetics DNA and cytogenetics Diagnostics Lab, Erasmus MC, Erasmus Medical Center
Classification: Benign. Review status: no assertion criteria provided. Collection method: clinical testing. Allele origin: germline. Affected: yes. Study: VKGL Data-share Consensus. Not counted in ClinVar's aggregate classification.

Laboratory of Diagnostic Genome Analysis, Leiden University Medical Center (LUMC)
Classification: Likely benign. Review status: no assertion criteria provided. Collection method: clinical testing. Allele origin: germline. Affected: yes. Study: VKGL Data-share Consensus. Not counted in ClinVar's aggregate classification.